The following is an entry in ClinVar:

NM_001367561.1(DOCK7):c.6248T>C (p.Ile2083Thr)

Gene: DOCK7 (dedicator of cytokinesis 7; minus strand). Cytogenetic location: 1p31.3.
Variant type: single nucleotide variant.
Coding change: c.6248T>C on transcript NM_001367561.1 (MANE Select); coding-DNA position 6248, T replaced by C.
Protein change: p.Ile2083Thr; replaces isoleucine 2083 with threonine.
Molecular consequence: missense variant.
Genome position (GRCh38, 1-based): chr1:62,457,670, A>G on the plus strand (T>C on the coding strand, the complement: DOCK7 is on the minus strand). VCF-style: chr1-62457670-A-G. GRCh37 (hg19) VCF-style: chr1-62923341-A-G.
Other names: c.6215T>C, p.Ile2072Thr (NM_001271999.2); c.6128T>C, p.Ile2043Thr (NM_001272000.2); c.6122T>C, p.Ile2041Thr (NM_001272001.2); c.6221T>C, p.Ile2074Thr (NM_001330614.2); c.6155T>C, p.Ile2052Thr (NM_033407.4); short protein forms I2083T, I2052T, I2074T, I2043T, I2072T, I2041T.
Identifiers: ClinVar variation 1472929 (VCV001472929.4), dbSNP rs2149219643, ClinGen allele CA340598996.

ClinVar aggregate classification (germline): Uncertain significance (1 of 4 stars; one submission).

Conditions:
Developmental and epileptic encephalopathy, 23 (DEE23). Also called: Epileptic encephalopathy, early infantile, 23. Identifiers: Orphanet 411986, MedGen C4014492, MONDO:0014371, OMIM 615859.

gnomAD v4.1: 4 of 1,613,800 alleles (0.00025%); highest among the groups gnomAD compares: Non-Finnish European, 0.00034%; no homozygotes.

Submission:

Labcorp Genetics (formerly Invitae), Labcorp
Classification: Uncertain significance for Developmental and epileptic encephalopathy, 23. Last evaluated: 2025-10-01. Review status: criteria provided, single submitter. Criteria: Invitae Variant Classification Sherloc (09022015). Collection method: clinical testing. Allele origin: germline.
Comment: This sequence change replaces isoleucine, which is neutral and non-polar, with threonine, which is neutral and polar, at codon 2072 of the DOCK7 protein (p.Ile2072Thr). This variant is not present in population databases (gnomAD no frequency). This variant has not been reported in the literature in individuals affected with DOCK7-related conditions. ClinVar contains an entry for this variant (Variation ID: 1472929). Invitae Evidence Modeling of protein sequence and biophysical properties (such as structural, functional, and spatial information, amino acid conservation, physicochemical variation, residue mobility, and thermodynamic stability) indicates that this missense variant is expected to disrupt DOCK7 protein function with a positive predictive value of 80%. In summary, the available evidence is currently insufficient to determine the role of this variant in disease. Therefore, it has been classified as a Variant of Uncertain Significance.